The following is an entry in ClinVar:

NC_000023.10:g.(?_132833913)_(132834066_?)del

Gene: GPC3 (glypican 3; minus strand). Cytogenetic location: Xq26.2.
Variant type: Deletion.
Identifiers: ClinVar variation 3245613 (VCV003245613.1).

ClinVar aggregate classification (germline): Pathogenic (1 of 4 stars; one submission).

Conditions:
Wilms tumor 1 (WT1). Also called: Wilms tumor, somatic. Identifiers: Orphanet 654, MedGen CN033288, MONDO:0008679, OMIM 194070.

Submission:

Labcorp Genetics (formerly Invitae), Labcorp
Classification: Pathogenic for Wilms tumor 1. Last evaluated: 2023-06-20. Review status: criteria provided, single submitter. Criteria: Invitae Variant Classification Sherloc (09022015). Collection method: clinical testing. Allele origin: unknown.
Comment: For these reasons, this variant has been classified as Pathogenic. This variant has not been reported in the literature in individuals affected with GPC3-related conditions. This variant is a gross deletion of the genomic region encompassing exon(s) 4 of the GPC3 gene. This deletion is out-of-frame, and is expected to create a premature termination codon and result in an absent or disrupted protein product. Loss-of-function variants in GPC3 are known to be pathogenic (PMID: 10402475, 12713262, 17603795).

Literature cited by the submitters: PubMed 10402475; PubMed 12713262; PubMed 17603795.